The following is an entry in ClinVar:

ClinVar aggregate classification (germline): Conflicting classifications of pathogenicity. Review status: criteria provided, conflicting classifications (1 of 4 stars). 4 submissions from 4 submitters: Uncertain significance (1); Likely benign (3). Last evaluated 2025-10-23.

Conditions:
Cardiovascular phenotype. Identifiers: MedGen CN230736.
Cardiomyopathy (CMYO). Also called: Cardiomyopathies. Identifiers: Orphanet 167848, MedGen C0878544, MONDO:0004994, HP:0001638. Inheritance: Various modes of inheritance.
Hypertrophic cardiomyopathy. Also called: HYPERTROPHIC MYOCARDIOPATHY. Identifiers: Orphanet 217569, MedGen C0007194, MeSH D002312, MONDO:0005045, HP:0001639.

Allele frequency attached by ClinVar (database versions not stated): ExAC 0.00001; TOPMed 0.00005; gnomAD exomes below 0.00001; gnomAD 0.00003; 1000 Genomes Project 0.00020; 1000 Genomes Project 30x 0.00031.
gnomAD v4.1: 6 of 1,614,144 alleles (0.00037%); highest among the groups gnomAD compares: Admixed American, 0.0083%; no homozygotes.

Submissions (4):

Ambry Genetics
Classification: Uncertain significance for Cardiovascular phenotype. Last evaluated: 2025-10-23. Review status: criteria provided, single submitter. Criteria: Ambry Variant Classification Scheme 2023. Collection method: clinical testing. Allele origin: germline.
Comment: The c.2040T>C variant (also known as p.S680S), located in coding exon 16 of the MYH7 gene, results from a T to C substitution at nucleotide position 2040. This nucleotide substitution does not change the amino acid at codon 680. This nucleotide position is not well conserved in available vertebrate species. In silico splice site analysis for this alteration is inconclusive. Based on the available evidence, the clinical significance of this variant remains unclear.

All of Us Research Program, National Institutes of Health
Classification: Likely benign for Cardiomyopathy. Last evaluated: 2024-05-14. Review status: criteria provided, single submitter. Criteria: ACMG Guidelines, 2015. Collection method: clinical testing. Allele origin: germline. Inheritance: Autosomal dominant inheritance. Observed: 3 variant alleles, 3 heterozygotes.
Comment: This study involves interpretation of variants in research participants for the purpose of population health screening. Participant phenotype was not available at the time of variant classification. Additional details can be found in publication PMID: 35346344, PMCID: PMC8962531

Labcorp Genetics (formerly Invitae), Labcorp
Classification: Likely benign for Hypertrophic cardiomyopathy. Last evaluated: 2024-04-30. Review status: criteria provided, single submitter. Criteria: Invitae Variant Classification Sherloc (09022015). Collection method: clinical testing. Allele origin: germline.

Color Diagnostics, LLC DBA Color Health
Classification: Likely benign for Cardiomyopathy. Last evaluated: 2019-08-14. Review status: criteria provided, single submitter. Criteria: ACMG Guidelines, 2015. Collection method: clinical testing. Allele origin: germline.

NM_000257.4(MYH7):c.2040T>C (p.Ser680=)

Gene: MYH7 (myosin heavy chain 7; minus strand). Cytogenetic location: 14q11.2.
Variant type: single nucleotide variant.
Coding change: c.2040T>C on transcript NM_000257.4 (MANE Select); coding-DNA position 2040, T replaced by C.
Protein change: p.Ser680=; no amino-acid change (serine 680 retained).
Molecular consequence: synonymous variant.
Genome position (GRCh38, 1-based): chr14:23,426,781, A>G on the plus strand (T>C on the coding strand, the complement: MYH7 is on the minus strand). VCF-style: chr14-23426781-A-G. GRCh37 (hg19) VCF-style: chr14-23895990-A-G.
Identifiers: ClinVar variation 739274 (VCV000739274.15), dbSNP rs200980487, ClinGen allele CA030849.